The following is an entry in ClinVar:

ClinVar aggregate classification (germline): Uncertain significance (1 of 4 stars; one submission).

Submission:

GeneDx
Classification: Uncertain significance. Last evaluated: 2023-04-06. Review status: criteria provided, single submitter. Criteria: GeneDx Variant Classification Process June 2021. Collection method: clinical testing. Allele origin: germline. Affected: yes.
Comment: Nonsense variant predicted to result in protein truncation or nonsense mediated decay in a gene or region of a gene for which loss of function is not a well-established mechanism of disease; Not observed at significant frequency in large population cohorts (gnomAD); Has not been previously published as pathogenic or benign to our knowledge

NM_001256012.3(MYH10):c.5696dup (p.Tyr1899Ter)

Gene: MYH10 (myosin heavy chain 10; minus strand). Cytogenetic location: 17p13.1.
Variant type: Duplication.
Coding change: c.5696dup on transcript NM_001256012.3 (MANE Select); coding-DNA position 5696, one base duplicated (A; older notation c.5696dupA).
Protein change: p.Tyr1899Ter; replaces tyrosine 1899 with a stop codon.
Molecular consequence: nonsense.
Genome position (GRCh38, 1-based): chr17:8,478,348, T duplicated on the plus strand (A on the coding strand, the reverse complement: MYH10 is on the minus strand). VCF-style (leftmost placement, unchanged base first): chr17-8478347-A-AT. GRCh37 (hg19) VCF-style: chr17-8381665-A-AT.
Other names: c.5630dup, p.Tyr1877Ter (NM_001256095.2); c.5633dup, p.Tyr1878Ter (NM_001375266.1); c.5603dup, p.Tyr1868Ter (NM_005964.5); short protein forms Y1868*, Y1877*, Y1878*, Y1899*.
Identifiers: ClinVar variation 2662056 (VCV002662056.1), dbSNP rs2544160099, ClinGen allele CA2695201243.